The following is an entry in ClinVar:

ClinVar aggregate classification (germline): Likely pathogenic (1 of 4 stars; one submission).

Submission:

Dasa
Classification: Likely pathogenic. Last evaluated: 2025-06-10. Review status: criteria provided, single submitter. Criteria: DASA Assertion Criteria. Collection method: clinical testing. Allele origin: germline.
Comment: NM_000458.4(HNF1B):c.917_918dup (p.Glu307Argfs*21) introduces a premature termination codon predicted to result in loss of normal protein function. Loss-of-function is an established mechanism of disease for this gene. The variant is present at low frequency in population datasets. Based on the available data, this variant is classified as likely pathogenic.

NM_000458.4(HNF1B):c.917_918dup (p.Glu307fs)

Gene: HNF1B (HNF1 homeobox B; minus strand). Cytogenetic location: 17q12.
Variant type: Duplication.
Coding change: c.917_918dup on transcript NM_000458.4 (MANE Select); coding-DNA positions 917 to 918, 2 bases duplicated (AG; older notation c.917_918dupAG).
Protein change: p.Glu307fs; shifts the reading frame from glutamic acid 307.
Molecular consequence: frameshift variant.
Genome position (GRCh38, 1-based): chr17:37,731,722-37,731,723, CT duplicated on the plus strand (AG on the coding strand, the reverse complement: HNF1B is on the minus strand); duplicating any 2 consecutive bases within chr17:37,731,722-37,731,724 gives the same sequence; the c. name uses the placement nearest the transcript's 3' end. VCF-style (leftmost placement, unchanged base first): chr17-37731721-C-CCT. GRCh37 (hg19) VCF-style: chr17-36091712-C-CCT.
Other names: c.839_840dup, p.Glu281fs (NM_001165923.4, NM_001304286.2); c.917_918dup, p.Glu307fs (NM_001411100.1); short protein forms E281fs, E307fs.
Identifiers: ClinVar variation 4851800 (VCV004851800.1).